The following is an entry in ClinVar:

ClinVar aggregate classification (germline): Pathogenic/Likely pathogenic. Review status: criteria provided, multiple submitters, no conflicts (2 of 4 stars). 3 submissions from 3 submitters: Pathogenic (1); Likely pathogenic (2). Last evaluated 2025-07-10.

Conditions:
Mitochondrial complex I deficiency, nuclear type 16. Also called: Mitochondrial complex 1 deficiency, nuclear type 16. Identifiers: MedGen C4748785, MONDO:0032621, OMIM 618238.
Mitochondrial complex I deficiency. Also called: NADH:Q(1) OXIDOREDUCTASE DEFICIENCY. Identifiers: Orphanet 2609, MedGen C1838979, MeSH C537475, MONDO:0100133.

Submissions (3):

Natera, Inc.
Classification: Likely pathogenic for Mitochondrial complex I deficiency. Last evaluated: 2025-07-10. Review status: criteria provided, single submitter. Criteria: Natera Variant Classification Schema (03/2026). Collection method: clinical testing. Allele origin: germline.
Comment: The c.204delT variant in NDUFAF5 is a frameshift variant predicted to shift the reading frame beginning at codon 68 and leads to a stop codon 4 codons downstream. This variant is expected to result in nonsense mediated decay, truncation, or a dysfunctional protein product. This variant is rare in the general population with a frequency below the threshold expected for the associated phenotype(s). Given the available evidence, this variant is classified as Likely Pathogenic.

Baylor Genetics
Classification: Likely pathogenic for Mitochondrial complex I deficiency, nuclear type 16. Last evaluated: 2024-03-14. Review status: criteria provided, single submitter. Criteria: ACMG Guidelines, 2015. Collection method: clinical testing. Allele origin: unknown.

Labcorp Genetics (formerly Invitae), Labcorp
Classification: Pathogenic. Last evaluated: 2022-04-16. Review status: criteria provided, single submitter. Criteria: Invitae Variant Classification Sherloc (09022015). Collection method: clinical testing. Allele origin: germline.
Comment: This sequence change creates a premature translational stop signal (p.Phe68Leufs*4) in the NDUFAF5 gene. It is expected to result in an absent or disrupted protein product. Loss-of-function variants in NDUFAF5 are known to be pathogenic (PMID: 26275793, 30473481, 32918965). This variant is present in population databases (rs747228795, gnomAD 0.003%). This variant has not been reported in the literature in individuals affected with NDUFAF5-related conditions. For these reasons, this variant has been classified as Pathogenic.

Literature cited by the submitters: PubMed 26275793 (cited by Labcorp Genetics (formerly Invitae), Labcorp); PubMed 30473481 (cited by Labcorp Genetics (formerly Invitae), Labcorp); PubMed 32918965 (cited by Labcorp Genetics (formerly Invitae), Labcorp).

NM_024120.5(NDUFAF5):c.204del (p.Phe68fs)

Gene: NDUFAF5 (NADH:ubiquinone oxidoreductase complex assembly factor 5; plus strand). Cytogenetic location: 20p12.1.
Variant type: Deletion.
Coding change: c.204del on transcript NM_024120.5 (MANE Select); coding-DNA position 204, one base deleted (T; older notation c.204delT).
Protein change: p.Phe68fs; shifts the reading frame from phenylalanine 68.
Molecular consequence: frameshift variant. On other transcripts: 5 prime UTR variant (3), non-coding transcript variant (7).
Genome position (GRCh38, 1-based): chr20:13,785,272, T deleted; the last of 3 consecutive T bases (chr20:13,785,270-13,785,272); deleting any one gives the same sequence. VCF-style (leftmost placement, unchanged base first): chr20-13785269-AT-A. GRCh37 (hg19) VCF-style: chr20-13765915-AT-A.
Other names: c.204del, p.Phe68fs (NM_001039375.3, NM_001352408.2); c.-164del (NM_001352403.2); c.-378del (NM_001352406.2); c.-492del (NM_001352407.2); c.204delT (NM_024120.4); short protein forms F68fs.
Identifiers: ClinVar variation 2141476 (VCV002141476.7), dbSNP rs747228795, ClinGen allele CA9767606.